The following is an entry in ClinVar:

ClinVar aggregate classification (germline): Uncertain significance. Review status: criteria provided, multiple submitters, no conflicts (2 of 4 stars). 2 submissions from 2 submitters: Uncertain significance (2). Last evaluated 2023-08-28.

Conditions:
Inborn genetic diseases. Identifiers: MedGen C0950123, MeSH D030342.

Allele frequency attached by ClinVar (database versions not stated): TOPMed below 0.00001; gnomAD exomes 0.00001.
gnomAD v4.1: 8 of 1,551,198 alleles (0.00052%); highest among the groups gnomAD compares: South Asian, 0.0036%; no homozygotes.

Submissions (2):

Ambry Genetics
Classification: Uncertain significance for Inborn genetic diseases. Last evaluated: 2023-08-28. Review status: criteria provided, single submitter. Criteria: Ambry Variant Classification Scheme 2023. Collection method: clinical testing. Allele origin: germline.

Labcorp Genetics (formerly Invitae), Labcorp
Classification: Uncertain significance. Last evaluated: 2022-02-04. Review status: criteria provided, single submitter. Criteria: Invitae Variant Classification Sherloc (09022015). Collection method: clinical testing. Allele origin: germline.
Comment: Algorithms developed to predict the effect of missense changes on protein structure and function are either unavailable or do not agree on the potential impact of this missense change (SIFT: "Deleterious"; PolyPhen-2: "Benign"; Align-GVGD: "Class C0"). Algorithms developed to predict the effect of sequence changes on RNA splicing suggest that this variant may create or strengthen a splice site. In summary, the available evidence is currently insufficient to determine the role of this variant in disease. Therefore, it has been classified as a Variant of Uncertain Significance. This variant has not been reported in the literature in individuals affected with ZSWIM6-related conditions. This sequence change replaces arginine, which is basic and polar, with glutamine, which is neutral and polar, at codon 915 of the ZSWIM6 protein (p.Arg915Gln). This variant is not present in population databases (gnomAD no frequency).

NM_020928.2(ZSWIM6):c.2744G>A (p.Arg915Gln)

Gene: ZSWIM6 (zinc finger SWIM-type containing 6; plus strand). Cytogenetic location: 5q12.1.
Variant type: single nucleotide variant.
Coding change: c.2744G>A on transcript NM_020928.2 (MANE Select); coding-DNA position 2744, G replaced by A.
Protein change: p.Arg915Gln; replaces arginine 915 with glutamine.
Molecular consequence: missense variant.
Genome position (GRCh38, 1-based): chr5:61,541,924, G>A. VCF-style: chr5-61541924-G-A. GRCh37 (hg19) VCF-style: chr5-60837751-G-A.
Other names: c.2744G>A (NM_020928.1); short protein forms R915Q.
Identifiers: ClinVar variation 1350178 (VCV001350178.9), dbSNP rs1280269191, ClinGen allele CA359946049.